The following is an entry in ClinVar:

NM_002894.3(RBBP8):c.1748T>A (p.Val583Asp)

Gene: RBBP8 (RB binding protein 8, endonuclease; plus strand). Cytogenetic location: 18q11.2.
Variant type: single nucleotide variant.
Coding change: c.1748T>A on transcript NM_002894.3 (MANE Select); coding-DNA position 1748, T replaced by A.
Protein change: p.Val583Asp; replaces valine 583 with aspartic acid.
Molecular consequence: missense variant.
Genome position (GRCh38, 1-based): chr18:22,993,575, T>A. VCF-style: chr18-22993575-T-A. GRCh37 (hg19) VCF-style: chr18-20573538-T-A.
Other names: c.1748T>A, p.Val583Asp (NM_203291.2, NM_203292.2); short protein forms V583D.
Identifiers: ClinVar variation 546227 (VCV000546227.2), dbSNP rs1555643982, ClinGen allele CA401779080.

ClinVar aggregate classification (germline): Uncertain significance (1 of 4 stars; one submission).

Submission:

GeneDx
Classification: Uncertain significance. Last evaluated: 2018-05-16. Review status: criteria provided, single submitter. Criteria: GeneDx Variant Classification (06012015). Collection method: clinical testing. Allele origin: germline. Affected: yes.
Comment: The V583D variant in the RBBP8 gene has not been reported previously as a pathogenic variant, nor as a benign variant, to our knowledge. The V583D variant is not observed in large population cohorts (Lek et al., 2016). The V583D variant is a non-conservative amino acid substitution, which is likely to impact secondary protein structure as these residues differ in polarity, charge, size and/or other properties. However, in-silico analyses, including protein predictors and evolutionary conservation, support that this variant does not alter protein structure/function. We interpret V583D as a variant of uncertain significance.